The following is an entry in ClinVar:

NM_003850.3(SUCLA2):c.478C>T (p.Arg160Ter)

Gene: SUCLA2 (succinate-CoA ligase ADP-forming subunit beta; minus strand). Cytogenetic location: 13q14.2.
Variant type: single nucleotide variant.
Coding change: c.478C>T on transcript NM_003850.3 (MANE Select); coding-DNA position 478, C replaced by T.
Protein change: p.Arg160Ter; replaces arginine 160 with a stop codon.
Molecular consequence: nonsense.
Genome position (GRCh38, 1-based): chr13:47,988,597, G>A on the plus strand (C>T on the coding strand, the complement: SUCLA2 is on the minus strand). VCF-style: chr13-47988597-G-A. GRCh37 (hg19) VCF-style: chr13-48562732-G-A.
Other names: short protein forms R160*.
Identifiers: ClinVar variation 1436781 (VCV001436781.7), dbSNP rs1950124035, ClinGen allele CA388150489.

ClinVar aggregate classification (germline): Pathogenic/Likely pathogenic. Review status: criteria provided, multiple submitters, no conflicts (2 of 4 stars). 2 submissions from 2 submitters: Pathogenic (1); Likely pathogenic (1). Last evaluated 2024-06-14.

Conditions:
Mitochondrial DNA depletion syndrome, encephalomyopathic form with methylmalonic aciduria (MTDPS5). Also called: SUCLA2-Related Mitochondrial DNA Depletion Syndrome, Encephalomyopathic Form with Methylmalonic Aciduria; Mitochondrial encephalomyopathy aminoacidopathy; MITOCHONDRIAL DNA DEPLETION SYNDROME, ENCEPHALOMYOPATHIC FORM, WITH OR WITHOUT METHYLMALONIC ACIDURIA, AUTOSOMAL RECESSIVE, SUCLA2-RELATED; Mitochondrial DNA depletion syndrome 5 (encephalomyopathic with or without methylmalonic aciduria). Identifiers: Orphanet 1933, MedGen C5980207, MONDO:0012791, OMIM 612073.

Allele frequency attached by ClinVar (database versions not stated): gnomAD 0.00001; gnomAD exomes 0.00001; TOPMed 0.00001.
gnomAD v4.1: 14 of 1,613,652 alleles (0.00087%); highest among the groups gnomAD compares: Non-Finnish European, 0.0011%; no homozygotes.

Submissions (2):

Fulgent Genetics
Classification: Likely pathogenic for Mitochondrial DNA depletion syndrome, encephalomyopathic form with methylmalonic aciduria. Last evaluated: 2024-06-14. Review status: criteria provided, single submitter. Criteria: ACMG Guidelines, 2015. Collection method: clinical testing. Allele origin: germline.

Labcorp Genetics (formerly Invitae), Labcorp
Classification: Pathogenic for Mitochondrial DNA depletion syndrome, encephalomyopathic form with methylmalonic aciduria. Last evaluated: 2021-10-27. Review status: criteria provided, single submitter. Criteria: Invitae Variant Classification Sherloc (09022015). Collection method: clinical testing. Allele origin: germline.
Comment: For these reasons, this variant has been classified as Pathogenic. This variant has not been reported in the literature in individuals affected with SUCLA2-related conditions. This variant is not present in population databases (gnomAD no frequency). This sequence change creates a premature translational stop signal (p.Arg160*) in the SUCLA2 gene. It is expected to result in an absent or disrupted protein product. Loss-of-function variants in SUCLA2 are known to be pathogenic (PMID: 15877282, 17301081).

Literature cited by the submitters: PubMed 15877282 (cited by Labcorp Genetics (formerly Invitae), Labcorp); PubMed 17301081 (cited by Labcorp Genetics (formerly Invitae), Labcorp).